The following is an entry in ClinVar:

ClinVar aggregate classification (germline): Likely benign. Review status: criteria provided, multiple submitters, no conflicts (2 of 4 stars). 2 submissions from 2 submitters: Likely benign (2). Last evaluated 2025-03-14.

Conditions:
Pheochromocytoma/paraganglioma syndrome 3. Also called: Paragangliomas 3; SDHC-Related Hereditary Paraganglioma-Pheochromocytoma Syndrome (Paragangliomas 3); SDHC-Related Hereditary Paraganglioma-Pheochromocytoma Syndrome; GLOMUS TUMORS, FAMILIAL, 3. Identifiers: Orphanet 29072, MedGen C1854336, MONDO:0011544, OMIM 605373.
Gastrointestinal stromal tumor. Also called: Gastrointestinal stroma tumor; Gastrointestinal stromal tumor, somatic. Identifiers: Orphanet 44890, MedGen C0238198, MeSH D046152, MONDO:0011719, OMIM 606764, HP:0100723.

Submissions (2):

Myriad Genetics, Inc.
Classification: Likely benign for Pheochromocytoma/paraganglioma syndrome 3. Last evaluated: 2025-03-14. Review status: criteria provided, single submitter. Criteria: Myriad Autosomal Dominant, Autosomal Recessive and X-Linked Classification Criteria (2023). Collection method: clinical testing. Allele origin: unknown.
Comment: This variant is considered likely benign. This variant is intronic and is not expected to impact mRNA splicing.

Labcorp Genetics (formerly Invitae), Labcorp
Classification: Likely benign for Pheochromocytoma/paraganglioma syndrome 3; Gastrointestinal stromal tumor. Last evaluated: 2022-08-23. Review status: criteria provided, single submitter. Criteria: Invitae Variant Classification Sherloc (09022015). Collection method: clinical testing. Allele origin: germline.

NM_003001.5(SDHC):c.180-9T>C

Gene: SDHC (succinate dehydrogenase complex subunit C; plus strand). Cytogenetic location: 1q23.3.
Variant type: single nucleotide variant.
Coding change: c.180-9T>C on transcript NM_003001.5 (MANE Select); 9 bases into the intron before coding-DNA position 180, T replaced by C.
Molecular consequence: intron variant.
Genome position (GRCh38, 1-based): chr1:161,340,585, T>C. VCF-style: chr1-161340585-T-C. GRCh37 (hg19) VCF-style: chr1-161310375-T-C.
Other names: c.69-9T>C (NM_001407119.1, NM_001407120.1); c.300-9T>C (NM_001407115.1); c.180-9T>C (NM_001035511.3); c.78-9T>C (NM_001035512.3, NM_001278172.3, NM_001407118.1); c.123-9T>C (NM_001407116.1, NM_001407121.1, NM_001407117.1); c.21-9T>C (NM_001035513.3).
Identifiers: ClinVar variation 1092154 (VCV001092154.11), dbSNP rs2102335976, ClinGen allele CA2499214280.